The following is an entry in ClinVar:

ClinVar aggregate classification (germline): Uncertain significance (1 of 4 stars; one submission).

Conditions:
Nystagmus 1, congenital, X-linked. Also called: NYSTAGMUS 1, INFANTILE, X-LINKED; NYSTAGMUS, CONGENITAL MOTOR, 1; FRMD7-Related Infantile Nystagmus; NYSTAGMUS, INFANTILE IDIOPATHIC; NYSTAGMUS, INFANTILE PERIODIC ALTERNATING, X-LINKED. Identifiers: MedGen C1839580, MONDO:0010693, OMIM 310700.

Submission:

Victorian Clinical Genetics Services, Murdoch Childrens Research Institute
Classification: Uncertain significance for Nystagmus 1, congenital, X-linked. Last evaluated: 2022-02-02. Review status: criteria provided, single submitter. Criteria: ACMG Guidelines, 2015. Collection method: clinical testing. Allele origin: germline. Inheritance: X-linked inheritance. Affected: yes.
Comment: Based on the classification scheme VCGS_Germline_v1.3.4, this variant is classified as VUS-3B. Following criteria are met: 0102 - Loss of function is a known mechanism of disease in this gene and is associated with X-linked congenital or infantile periodic alternating nystagmus 1 (MIM#310700). Dominant negative has also been suggested as a mechanism but further studies are required (PMID: 23406872). (I). (I) 0108 - This gene is associated with both recessive and dominant X-linked disease. Females carriers may have symptoms (OMIM, PMID: 22490987). (I) 0200 - Variant is predicted to result in a missense amino acid change from alanine to threonine. (I) 0251 - This variant is heterozygous. (I) 0301 - Variant is absent from gnomAD (both v2 and v3). (SP) 0502 - Missense variant with conflicting in silico predictions and uninformative conservation. (I) 0600 - Variant is located in the annotated FERM C-terminal PH-like domain (NCBI, UniProt). (I) 0705 - No comparable missense variants have previous evidence for pathogenicity. (I) 0807 - This variant has no previous evidence of pathogenicity. (I) 0905 - No published segregation evidence has been identified for this variant. (I) 1007 - No published functional evidence has been identified for this variant. (I) 1208 - Inheritance information for this variant is not currently available in this individual. (I) Legend: (SP) - Supporting pathogenic, (I) - Information, (SB) - Supporting benign

Literature cited by the submitters: PubMed 19072571; PubMed 22490987; PubMed 23406872.

NM_194277.3(FRMD7):c.775G>A (p.Ala259Thr)

Gene: FRMD7 (FERM domain containing 7; minus strand). Cytogenetic location: Xq26.2.
Variant type: single nucleotide variant.
Coding change: c.775G>A on transcript NM_194277.3 (MANE Select); coding-DNA position 775, G replaced by A.
Protein change: p.Ala259Thr; replaces alanine 259 with threonine.
Molecular consequence: missense variant.
Genome position (GRCh38, 1-based): chrX:132,082,493, C>T on the plus strand (G>A on the coding strand, the complement: FRMD7 is on the minus strand). VCF-style: chrX-132082493-C-T. GRCh37 (hg19) VCF-style: chrX-131216521-C-T.
Other names: c.730G>A, p.Ala244Thr (NM_001306193.2); short protein forms A244T, A259T.
Identifiers: ClinVar variation 3376861 (VCV003376861.1).